The following is an entry in ClinVar:

NM_145207.3(AFG2A):c.2378A>G (p.Tyr793Cys)

Gene: AFG2A (AAA ATPase AFG2A; plus strand). Cytogenetic location: 4q28.1.
Variant type: single nucleotide variant.
Coding change: c.2378A>G on transcript NM_145207.3 (MANE Select); coding-DNA position 2378, A replaced by G.
Protein change: p.Tyr793Cys; replaces tyrosine 793 with cysteine.
Molecular consequence: missense variant.
Genome position (GRCh38, 1-based): chr4:123,256,053, A>G. VCF-style: chr4-123256053-A-G. GRCh37 (hg19) VCF-style: chr4-124177208-A-G.
Other names: c.2375A>G, p.Tyr792Cys (NM_001345856.2); c.2447A>G, p.Tyr816Cys (NM_001437913.1); c.2450A>G, p.Tyr817Cys (NM_001438322.1); short protein forms Y792C, Y793C, Y816C, Y817C.
Identifiers: ClinVar variation 4891200 (VCV004891200.1).
Genomic context (GRCh38, chr4:123,256,053, plus strand): 5'-ATGTTGCCTCATTTTCTTTATAGGCTTTGATGCGGCCTGGAAGAATTGATAGAATCATCT[A>G]TGTGCCTTTACCGGATGCAGCAACAAGAAGGGAAATATTTAAGCTGCAGTTTCACTCCAT-3'
Protein context (NP_660208.2, residues 783-803): MRPGRIDRII[Tyr793Cys]VPLPDAATRR

ClinVar aggregate classification (germline): Uncertain significance. Review status: criteria provided, multiple submitters, no conflicts (2 of 4 stars). 2 submissions from 2 submitters: Uncertain significance (2). Last evaluated 2026-04-01.

gnomAD v4.1: 3 of 1,614,116 alleles (0.00019%); highest among the groups gnomAD compares: African/African-American, 0.0013%; no homozygotes.

Submissions (2):

Greenwood Genetic Center Diagnostic Laboratories, Greenwood Genetic Center
Classification: Uncertain significance. Last evaluated: 2026-04-01. Review status: criteria provided, single submitter. Criteria: ACMG Guidelines, 2015. Collection method: clinical testing. Allele origin: germline.
Comment: PM2, PP3

Blueprint Genetics
Classification: Uncertain significance. Last evaluated: 2018-09-13. Review status: criteria provided, single submitter. Criteria: ACMG Guidelines, 2015. Collection method: clinical testing. Allele origin: germline.